The following is an entry in ClinVar:

NM_005676.5(RBM10):c.1693+2dup

Gene: RBM10 (RNA binding motif protein 10; plus strand). Cytogenetic location: Xp11.3.
Variant type: Duplication.
Coding change: c.1693+2dup on transcript NM_005676.5 (MANE Select); the canonical splice donor site of the intron after coding-DNA position 1693, one base duplicated (T; older notation c.1693+2dupT).
Molecular consequence: splice donor variant.
Genome position (GRCh38, 1-based): chrX:47,181,868, T duplicated. VCF-style (leftmost placement, unchanged base first): chrX-47181867-G-GT. GRCh37 (hg19) VCF-style: chrX-47041266-G-GT.
Other names: c.1888+2dup (NM_001204468.2); c.1690+2dup (NM_001204467.2); c.1462+2dup (NM_001204466.2); c.1459+2dup (NM_152856.3).
Identifiers: ClinVar variation 280558 (VCV000280558.1), dbSNP rs886041742, ClinGen allele CA10603672.

ClinVar aggregate classification (germline): Pathogenic (1 of 4 stars; one submission).

Submission:

GeneDx
Classification: Pathogenic. Last evaluated: 2016-05-03. Review status: criteria provided, single submitter. Criteria: GeneDx Variant Classification (06012015). Collection method: clinical testing. Allele origin: germline. Affected: yes.
Comment: The c.1693+2dupT variant in the RBM10 gene has not been reported previously as a pathogenic variant nor as a benign variant, to our knowledge. This splice site variant destroys the canonical splice donor site in intron 15. It is predicted to cause abnormal gene splicing, either leading to an abnormal message that is subject to nonsense-mediated mRNA decay, or to an abnormal protein product if the message is used for protein translation. The c.1693+2dupT variant was not observed in approximately 6500 individuals of European and African American ancestry in the NHLBI Exome Sequencing Project, indicating it is not a common benign variant in these populations. We interpret c.1693+2dupT as a pathogenic variant.